The following is an entry in ClinVar:

ClinVar aggregate classification (germline): Conflicting classifications of pathogenicity. Review status: criteria provided, conflicting classifications (1 of 4 stars). 2 submissions from 2 submitters: Uncertain significance (1); Likely benign (1). Last evaluated 2026-07-30.

Conditions:
Tuberous sclerosis syndrome (TSC). Also called: Tuberous Sclerosis Complex; Tuberous sclerosis. Identifiers: Orphanet 805, MedGen C0041341, MONDO:0001734.
Hereditary cancer-predisposing syndrome. Also called: Tumor predisposition; Hereditary Cancer Syndrome; Hereditary neoplastic syndrome; Neoplastic Syndromes, Hereditary. Identifiers: Orphanet 140162, MedGen C0027672, MeSH D009386, MONDO:0015356.

Submissions (2):

Ambry Genetics
Classification: Likely benign for Hereditary cancer-predisposing syndrome. Last evaluated: 2026-07-30. Review status: criteria provided, single submitter. Criteria: Ambry Variant Classification Scheme 2023. Collection method: clinical testing. Allele origin: germline.

All of Us Research Program, National Institutes of Health
Classification: Uncertain significance for Tuberous sclerosis syndrome. Last evaluated: 2024-07-20. Review status: criteria provided, single submitter. Criteria: ACMG Guidelines, 2015. Collection method: clinical testing. Allele origin: germline. Inheritance: Autosomal dominant inheritance. Observed: 1 variant allele, 1 heterozygote.
Comment: This missense variant replaces histidine with tyrosine at codon 1053 of the TSC1 protein. Computational prediction suggests that this variant may not impact protein structure and function (internally defined REVEL score threshold <= 0.5, PMID: 27666373). To our knowledge, functional studies have not been reported for this variant. This variant has not been reported in individuals affected with TSC1-related disorders in the literature. This variant has not been identified in the general population by the Genome Aggregation Database (gnomAD). The available evidence is insufficient to determine the role of this variant in disease conclusively. Therefore, this variant is classified as a Variant of Uncertain Significance.

This study involves interpretation of variants in research participants for the purpose of population health screening. Participant phenotype was not available at the time of variant classification. Additional details can be found in publication PMID: 35346344, PMCID: PMC8962531

NM_000368.5(TSC1):c.3157C>T (p.His1053Tyr)

Gene: TSC1 (TSC complex subunit 1; minus strand). Cytogenetic location: 9q34.13.
Variant type: single nucleotide variant.
Coding change: c.3157C>T on transcript NM_000368.5 (MANE Select); coding-DNA position 3157, C replaced by T.
Protein change: p.His1053Tyr; replaces histidine 1053 with tyrosine.
Molecular consequence: missense variant. On other transcripts: non-coding transcript variant (5).
Genome position (GRCh38, 1-based): chr9:132,896,573, G>A on the plus strand (C>T on the coding strand, the complement: TSC1 is on the minus strand). VCF-style: chr9-132896573-G-A. GRCh37 (hg19) VCF-style: chr9-135771960-G-A.
Other names: c.3004C>T, p.His1002Tyr (NM_001162427.2, NM_001406610.1); c.2794C>T, p.His932Tyr (NM_001362177.2, NM_001406614.1, NM_001406615.1 and 4 more transcripts); c.3157C>T, p.His1053Tyr (NM_001406592.1, NM_001406593.1, NM_001406594.1 and 2 more transcripts); c.3154C>T, p.His1052Tyr (NM_001406597.1, NM_001406598.1, NM_001406599.1 and 2 more transcripts); c.3142C>T, p.His1048Tyr (NM_001406601.1, NM_001406602.1); c.3139C>T, p.His1047Tyr (NM_001406603.1, NM_001406604.1); c.3115C>T, p.His1039Tyr (NM_001406605.1, NM_001406606.1, NM_001406607.1); c.3112C>T, p.His1038Tyr (NM_001406608.1, NM_001406609.1); and 8 more; short protein forms H1001Y, H1002Y, H1038Y, H1039Y, H1047Y, H1048Y, H1052Y, H1053Y.
Identifiers: ClinVar variation 3386138 (VCV003386138.3).